The following is an entry in ClinVar:

NM_015450.3(POT1):c.1177C>T (p.His393Tyr)

Gene: POT1 (protection of telomeres 1; minus strand). Cytogenetic location: 7q31.33.
Variant type: single nucleotide variant.
Coding change: c.1177C>T on transcript NM_015450.3 (MANE Select); coding-DNA position 1177, C replaced by T.
Protein change: p.His393Tyr; replaces histidine 393 with tyrosine.
Molecular consequence: missense variant. On other transcripts: non-coding transcript variant (3).
Genome position (GRCh38, 1-based): chr7:124,841,165, G>A on the plus strand (C>T on the coding strand, the complement: POT1 is on the minus strand). VCF-style: chr7-124841165-G-A. GRCh37 (hg19) VCF-style: chr7-124481219-G-A.
Other names: c.784C>T, p.His262Tyr (NM_001042594.2); c.1177C>T (NM_015450.2); short protein forms H393Y, H262Y.
Identifiers: ClinVar variation 2802388 (VCV002802388.4), dbSNP rs2485395587, ClinGen allele CA369067727.

ClinVar aggregate classification (germline): Uncertain significance. Review status: criteria provided, multiple submitters, no conflicts (2 of 4 stars). 2 submissions from 2 submitters: Uncertain significance (2). Last evaluated 2025-04-19.

Conditions:
Tumor predisposition syndrome 3 (TPDS3). Also called: Melanoma, cutaneous malignant, susceptibility to, 10; LONG TELOMERE SYNDROME, POT1-RELATED; POT1 Tumor Predisposition; Glioma susceptibility 9. Identifiers: Orphanet 618, MedGen C4014476, MONDO:0014368, OMIM 615848.
Hereditary cancer-predisposing syndrome. Also called: Neoplastic Syndromes, Hereditary; Hereditary neoplastic syndrome; Hereditary Cancer Syndrome; Tumor predisposition. Identifiers: Orphanet 140162, MedGen C0027672, MeSH D009386, MONDO:0015356.

Submissions (2):

Ambry Genetics
Classification: Uncertain significance for Hereditary cancer-predisposing syndrome. Last evaluated: 2025-04-19. Review status: criteria provided, single submitter. Criteria: Ambry Variant Classification Scheme 2023. Collection method: clinical testing. Allele origin: germline.
Comment: The p.H393Y variant (also known as c.1177C>T), located in coding exon 10 of the POT1 gene, results from a C to T substitution at nucleotide position 1177. The histidine at codon 393 is replaced by tyrosine, an amino acid with similar properties. This amino acid position is conserved. In addition, this alteration is predicted to be tolerated by in silico analysis. Based on the available evidence, the clinical significance of this variant remains unclear.

Labcorp Genetics (formerly Invitae), Labcorp
Classification: Uncertain significance for Tumor predisposition syndrome 3. Last evaluated: 2023-02-23. Review status: criteria provided, single submitter. Criteria: Invitae Variant Classification Sherloc (09022015). Collection method: clinical testing. Allele origin: germline.
Comment: In summary, the available evidence is currently insufficient to determine the role of this variant in disease. Therefore, it has been classified as a Variant of Uncertain Significance. Advanced modeling of protein sequence and biophysical properties (such as structural, functional, and spatial information, amino acid conservation, physicochemical variation, residue mobility, and thermodynamic stability) performed at Invitae indicates that this missense variant is not expected to disrupt POT1 protein function. This variant has not been reported in the literature in individuals affected with POT1-related conditions. This variant is not present in population databases (gnomAD no frequency). This sequence change replaces histidine, which is basic and polar, with tyrosine, which is neutral and polar, at codon 393 of the POT1 protein (p.His393Tyr).